The following is an entry in ClinVar:

NM_002485.5(NBN):c.1573G>T (p.Asp525Tyr)

Gene: NBN (nibrin; minus strand). Cytogenetic location: 8q21.3.
Variant type: single nucleotide variant.
Coding change: c.1573G>T on transcript NM_002485.5 (MANE Select); coding-DNA position 1573, G replaced by T.
Protein change: p.Asp525Tyr; replaces aspartic acid 525 with tyrosine.
Molecular consequence: missense variant.
Genome position (GRCh38, 1-based): chr8:89,953,516, C>A on the plus strand (G>T on the coding strand, the complement: NBN is on the minus strand). VCF-style: chr8-89953516-C-A. GRCh37 (hg19) VCF-style: chr8-90965744-C-A.
Other names: c.1327G>T, p.Asp443Tyr (NM_001024688.3); short protein forms D525Y, D443Y.
Identifiers: ClinVar variation 1775545 (VCV001775545.2), dbSNP rs2488232348, ClinGen allele CA371655564.

ClinVar aggregate classification (germline): Uncertain significance (1 of 4 stars; one submission).

Conditions:
Hereditary cancer-predisposing syndrome. Also called: Neoplastic Syndromes, Hereditary; Tumor predisposition; Hereditary Cancer Syndrome; Hereditary neoplastic syndrome. Identifiers: Orphanet 140162, MedGen C0027672, MeSH D009386, MONDO:0015356.

Submission:

Ambry Genetics
Classification: Uncertain significance for Hereditary cancer-predisposing syndrome. Last evaluated: 2018-08-04. Review status: criteria provided, single submitter. Criteria: Ambry Variant Classification Scheme 2023. Collection method: clinical testing. Allele origin: germline.
Comment: The p.D525Y variant (also known as c.1573G>T), located in coding exon 11 of the NBN gene, results from a G to T substitution at nucleotide position 1573. The aspartic acid at codon 525 is replaced by tyrosine, an amino acid with highly dissimilar properties. This amino acid position is not well conserved in available vertebrate species. In addition, this alteration is predicted to be tolerated by in silico analysis. Since supporting evidence is limited at this time, the clinical significance of this alteration remains unclear.